The following is an entry in ClinVar:

ClinVar aggregate classification (germline): Uncertain significance. Review status: criteria provided, multiple submitters, no conflicts (2 of 4 stars). 3 submissions from 3 submitters: Uncertain significance (3). Last evaluated 2025-12-09.

Conditions:
Inborn genetic diseases. Identifiers: MedGen C0950123, MeSH D030342.

gnomAD v4.1: 33 of 1,612,856 alleles (0.002%); highest among the groups gnomAD compares: Non-Finnish European, 0.00042%; no homozygotes.

Submissions (4):

GeneDx
Classification: Uncertain significance. Last evaluated: 2025-12-09. Review status: criteria provided, single submitter. Criteria: GeneDx Variant Classification Process June 2021. Collection method: clinical testing. Allele origin: germline.
Comment: In silico analysis suggests that this missense variant does not alter protein structure/function; Has not been previously published as pathogenic or benign to our knowledge

Ambry Genetics
Classification: Uncertain significance for Inborn genetic diseases. Last evaluated: 2025-08-23. Review status: criteria provided, single submitter. Criteria: Ambry Variant Classification Scheme 2023. Collection method: clinical testing. Allele origin: germline.

Labcorp Genetics (formerly Invitae), Labcorp
Classification: Uncertain significance. Last evaluated: 2024-05-27. Review status: criteria provided, single submitter. Criteria: Invitae Variant Classification Sherloc (09022015). Collection method: clinical testing. Allele origin: germline.
Comment: This sequence change replaces glutamic acid, which is acidic and polar, with glutamine, which is neutral and polar, at codon 416 of the NARS2 protein (p.Glu416Gln). This variant is present in population databases (rs779128703, gnomAD 0.08%). This variant has not been reported in the literature in individuals affected with NARS2-related conditions. ClinVar contains an entry for this variant (Variation ID: 2576778). Advanced modeling of protein sequence and biophysical properties (such as structural, functional, and spatial information, amino acid conservation, physicochemical variation, residue mobility, and thermodynamic stability) performed at Invitae indicates that this missense variant is not expected to disrupt NARS2 protein function with a negative predictive value of 80%. In summary, the available evidence is currently insufficient to determine the role of this variant in disease. Therefore, it has been classified as a Variant of Uncertain Significance.

Dr. Peter K. Rogan Lab, Western University
No classification provided (evidence only). Condition: Colorectal cancer. Review status: no classification provided. Collection method: in vitro. Allele origin: not applicable. Functional consequence: retained intron. Not counted in ClinVar's aggregate classification.

NM_024678.6(NARS2):c.1246G>C (p.Glu416Gln)

Gene: NARS2 (asparaginyl-tRNA synthetase 2, mitochondrial; minus strand). Cytogenetic location: 11q14.1.
Variant type: single nucleotide variant.
Coding change: c.1246G>C on transcript NM_024678.6 (MANE Select); coding-DNA position 1246, G replaced by C.
Protein change: p.Glu416Gln; replaces glutamic acid 416 with glutamine.
Molecular consequence: missense variant.
Genome position (GRCh38, 1-based): chr11:78,443,677, C>G on the plus strand (G>C on the coding strand, the complement: NARS2 is on the minus strand). VCF-style: chr11-78443677-C-G. GRCh37 (hg19) VCF-style: chr11-78154723-C-G.
Other names: c.565G>C, p.Glu189Gln (NM_001243251.2); short protein forms E189Q, E416Q.
Identifiers: ClinVar variation 2576778 (VCV002576778.6), dbSNP rs779128703, ClinGen allele CA6205547.